The following is an entry in ClinVar:

NM_002941.4(ROBO1):c.2759G>A (p.Arg920Gln)

Gene: ROBO1 (roundabout guidance receptor 1; minus strand). Cytogenetic location: 3p12.3.
Variant type: single nucleotide variant.
Coding change: c.2759G>A on transcript NM_002941.4 (MANE Select); coding-DNA position 2759, G replaced by A.
Protein change: p.Arg920Gln; replaces arginine 920 with glutamine.
Molecular consequence: missense variant.
Genome position (GRCh38, 1-based): chr3:78,651,785, C>T on the plus strand (G>A on the coding strand, the complement: ROBO1 is on the minus strand). VCF-style: chr3-78651785-C-T. GRCh37 (hg19) VCF-style: chr3-78700935-C-T.
Other names: c.2651G>A, p.Arg884Gln (NM_001145844.1, NM_001145845.2, NM_133631.4); short protein forms R920Q, R884Q.
Identifiers: ClinVar variation 2075876 (VCV002075876.4), dbSNP rs773504767, ClinGen allele CA2498595.

ClinVar aggregate classification (germline): Uncertain significance (1 of 4 stars; one submission).

Allele frequency attached by ClinVar (database versions not stated): ExAC 0.00001; gnomAD 0.00003; TOPMed 0.00003.
gnomAD v4.1: 80 of 1,613,376 alleles (0.005%); highest among the groups gnomAD compares: Middle Eastern, 0.016%; no homozygotes.

Submission:

Labcorp Genetics (formerly Invitae), Labcorp
Classification: Uncertain significance. Last evaluated: 2025-10-27. Review status: criteria provided, single submitter. Criteria: Invitae Variant Classification Sherloc (09022015). Collection method: clinical testing. Allele origin: germline.
Comment: This sequence change replaces arginine, which is basic and polar, with glutamine, which is neutral and polar, at codon 920 of the ROBO1 protein (p.Arg920Gln). This variant is present in population databases (rs773504767, gnomAD 0.02%). This variant has not been reported in the literature in individuals affected with ROBO1-related conditions. ClinVar contains an entry for this variant (Variation ID: 2075876). Invitae Evidence Modeling of protein sequence and biophysical properties (such as structural, functional, and spatial information, amino acid conservation, physicochemical variation, residue mobility, and thermodynamic stability) indicates that this missense variant is not expected to disrupt ROBO1 protein function with a negative predictive value of 95%. In summary, the available evidence is currently insufficient to determine the role of this variant in disease. Therefore, it has been classified as a Variant of Uncertain Significance.